The following is an entry in ClinVar:

ClinVar aggregate classification (germline): Uncertain significance (1 of 4 stars; one submission).

gnomAD v4.1: 3 of 1,614,006 alleles (0.00019%); highest among the groups gnomAD compares: Non-Finnish European, 0.00025%; no homozygotes.

Submission:

CeGaT Center for Human Genetics Tuebingen
Classification: Uncertain significance. Last evaluated: 2025-07-01. Review status: criteria provided, single submitter. Criteria: CeGaT Center For Human Genetics Tuebingen Variant Classification Criteria Version 2. Collection method: clinical testing. Allele origin: germline. Affected: yes. Observed: 3 variant alleles.
Comment: FAH: PM2, PP4:Moderate, PM3:Supporting

NM_000137.4(FAH):c.362T>A (p.Ile121Lys)

Genes: FAH (fumarylacetoacetate hydrolase; plus strand), LOC112272621 (Sharpr-MPRA regulatory region 12283; plus strand). Cytogenetic location: 15q25.1.
Variant type: single nucleotide variant.
Coding change: c.362T>A on transcript NM_000137.4 (MANE Select); coding-DNA position 362, T replaced by A.
Protein change: p.Ile121Lys; replaces isoleucine 121 with lysine.
Molecular consequence: missense variant.
Genome position (GRCh38, 1-based): chr15:80,160,457, T>A. VCF-style: chr15-80160457-T-A. GRCh37 (hg19) VCF-style: chr15-80452799-T-A.
Other names: c.362T>A, p.Ile121Lys (NM_001374377.1, NM_001374380.1); short protein forms I121K.
Identifiers: ClinVar variation 3905868 (VCV003905868.10).